The following is an entry in ClinVar:

NM_001164665.2(KIAA1549):c.4468G>T (p.Ala1490Ser)

Gene: KIAA1549 (KIAA1549; minus strand). Cytogenetic location: 7q34.
Variant type: single nucleotide variant.
Coding change: c.4468G>T on transcript NM_001164665.2 (MANE Select); coding-DNA position 4468, G replaced by T.
Protein change: p.Ala1490Ser; replaces alanine 1490 with serine.
Molecular consequence: missense variant.
Genome position (GRCh38, 1-based): chr7:138,871,240, C>A on the plus strand (G>T on the coding strand, the complement: KIAA1549 is on the minus strand). VCF-style: chr7-138871240-C-A. GRCh37 (hg19) VCF-style: chr7-138555986-C-A.
Other names: c.4468G>T, p.Ala1490Ser (NM_020910.3); short protein forms A1490S.
Identifiers: ClinVar variation 1010347 (VCV001010347.10), dbSNP rs772969704, ClinGen allele CA4505890.
Genomic context (GRCh38, chr7:138,871,240, plus strand): 5'-CCGCCACTCGGTCGGCTGGGGAGGGGCGCTGGACGGGAGGTGCCGGGATCGGCTGCATGG[C>A]GATAAGCTGGATCTTACTGGGGACCCGCCGGCTAGCCTCCGGGGGGCGGGAGATCCTGTC-3'
Protein context (NP_001158137.1, residues 1480-1500): RRVPSKIQLI[Ala1490Ser]MQPIPAPPVQ

ClinVar aggregate classification (germline): Uncertain significance. Review status: criteria provided, multiple submitters, no conflicts (2 of 4 stars). 2 submissions from 2 submitters: Uncertain significance (2). Last evaluated 2026-01-05.

Allele frequency attached by ClinVar (database versions not stated): TOPMed 0.00003; 1000 Genomes Project 30x 0.00016.
gnomAD v4.1: 14 of 1,612,894 alleles (0.00087%); highest among the groups gnomAD compares: East Asian, 0.02%; no homozygotes.

Submissions (2):

Labcorp Genetics (formerly Invitae), Labcorp
Classification: Uncertain significance. Last evaluated: 2026-01-05. Review status: criteria provided, single submitter. Criteria: Invitae Variant Classification Sherloc (09022015). Collection method: clinical testing. Allele origin: germline.
Comment: This sequence change replaces alanine, which is neutral and non-polar, with serine, which is neutral and polar, at codon 1490 of the KIAA1549 protein (p.Ala1490Ser). This variant is present in population databases (rs772969704, gnomAD 0.05%). This variant has not been reported in the literature in individuals affected with KIAA1549-related conditions. ClinVar contains an entry for this variant (Variation ID: 1010347). An algorithm developed to predict the effect of missense changes on protein structure and function (PolyPhen-2) suggests that this variant is likely to be disruptive. In summary, the available evidence is currently insufficient to determine the role of this variant in disease. Therefore, it has been classified as a Variant of Uncertain Significance.

Blueprint Genetics
Classification: Uncertain significance. Last evaluated: 2022-09-05. Review status: criteria provided, single submitter. Criteria: ACMG Guidelines, 2015. Collection method: clinical testing. Allele origin: germline.